The following is an entry in ClinVar:

NM_020227.4(PRDM9):c.2442C>A (p.Ser814Arg)

Gene: PRDM9 (PR/SET domain 9; plus strand). Cytogenetic location: 5p14.2.
Variant type: single nucleotide variant.
Coding change: c.2442C>A on transcript NM_020227.4 (MANE Select); coding-DNA position 2442, C replaced by A.
Protein change: p.Ser814Arg; replaces serine 814 with arginine.
Molecular consequence: missense variant.
Genome position (GRCh38, 1-based): chr5:23,527,530, C>A. VCF-style: chr5-23527530-C-A. GRCh37 (hg19) VCF-style: chr5-23527639-C-A.
Other names: c.2442C>A, p.Ser814Arg (NM_001376900.1); short protein forms S814R.
Identifiers: ClinVar variation 3388168 (VCV003388168.14).

ClinVar aggregate classification (germline): Likely benign (1 of 4 stars; one submission).

gnomAD v4.1: 665 of 1,536,846 alleles (0.043%); highest among the groups gnomAD compares: African/African-American, 0.36%; 44 homozygotes.

Submission:

CeGaT Center for Human Genetics Tuebingen
Classification: Likely benign. Last evaluated: 2026-04-01. Review status: criteria provided, single submitter. Criteria: CeGaT Center For Human Genetics Tuebingen Variant Classification Criteria Version 2. Collection method: clinical testing. Allele origin: germline. Affected: yes. Observed: 4 variant alleles.
Comment: PRDM9: BS2